The following is an entry in ClinVar:

NM_138927.4(SON):c.6022C>T (p.Arg2008Ter)

Gene: SON (SON DNA and RNA binding protein; plus strand). Cytogenetic location: 21q22.11.
Variant type: single nucleotide variant.
Coding change: c.6022C>T on transcript NM_138927.4 (MANE Select); coding-DNA position 6022, C replaced by T.
Protein change: p.Arg2008Ter; replaces arginine 2008 with a stop codon.
Molecular consequence: nonsense. On other transcripts: non-coding transcript variant (1), intron variant (1).
Genome position (GRCh38, 1-based): chr21:33,555,253, C>T. VCF-style: chr21-33555253-C-T. GRCh37 (hg19) VCF-style: chr21-34927559-C-T.
Other names: c.6022C>T, p.Arg2008Ter (NM_001291411.2, NM_032195.3); c.245-1903C>T (NM_001291412.3); short protein forms R2008*.
Identifiers: ClinVar variation 453018 (VCV000453018.5), dbSNP rs1555899560, ClinGen allele CA410166008.

ClinVar aggregate classification (germline): Pathogenic. Review status: criteria provided, multiple submitters, no conflicts (2 of 4 stars). 2 submissions from 2 submitters: Pathogenic (2). Last evaluated 2017-10-30.

Conditions:
ZTTK syndrome (ZTTKS). Also called: Zhu-Tokita-Takenouchi-Kim Syndrome; ZTTK MULTIPLE CONGENITAL ANOMALIES-MENTAL RETARDATION SYNDROME. Identifiers: Orphanet 500150, MedGen C4310696, MONDO:0014936, OMIM 617140.

Submissions (2):

GeneDx
Classification: Pathogenic. Last evaluated: 2017-10-30. Review status: criteria provided, single submitter. Criteria: GeneDx Variant Classification (06012015). Collection method: clinical testing. Allele origin: germline. Affected: yes.
Comment: The R2008X variant in the SON gene has not been reported previously as a pathogenic variant nor as a benign variant, to our knowledge. This variant is predicted to cause loss of normal protein function either through protein truncation or nonsense-mediated mRNA decay. The R2008X variant is not observed in large population cohorts (Lek et al., 2016). We interpret R2008X as a pathogenic variant.

Institute for Genomic Statistics and Bioinformatics, University Hospital Bonn
Classification: Pathogenic for ZTTK syndrome. Review status: criteria provided, single submitter. Criteria: ACMG Guidelines, 2015. Collection method: clinical testing. Allele origin: de novo. Inheritance: Autosomal dominant inheritance. Affected: yes. Observed: 1 heterozygote.
Comment: Trio exome sequencing and analysis of the genes with the ten highest PEDIA values (PMID: 31164752) revealed a disease-causing nonsense variant in exon 3 of the SON gene. The name of the variant is: NM_032195: c.6022C> T; p.Trp2008Ter. This variant is not listed in the population-related databases gnomAD, ExAC, Exome Variant Server and 1000 Genomes. In the phenotype-related database ClinVar, it is once recorded as pathogenic. It does not occur in LOVD and HGM. The ACMG classification for this variant is: pathogenic (class 5; PVS1, PS2, PM2, PP5).